The following is an entry in ClinVar:

NM_005216.5(DDOST):c.838C>T (p.Arg280Cys)

Gene: DDOST (dolichyl-diphosphooligosaccharide--protein glycosyltransferase non-catalytic subunit; minus strand). Cytogenetic location: 1p36.12.
Variant type: single nucleotide variant.
Coding change: c.838C>T on transcript NM_005216.5 (MANE Select); coding-DNA position 838, C replaced by T.
Protein change: p.Arg280Cys; replaces arginine 280 with cysteine.
Molecular consequence: missense variant.
Genome position (GRCh38, 1-based): chr1:20,653,731, G>A on the plus strand (C>T on the coding strand, the complement: DDOST is on the minus strand). VCF-style: chr1-20653731-G-A. GRCh37 (hg19) VCF-style: chr1-20980224-G-A.
Other names: c.889C>T (NM_005216.4); short protein forms R280C.
Identifiers: ClinVar variation 2038749 (VCV002038749.5), dbSNP rs767525741, ClinGen allele CA661109.
Genomic context (GRCh38, chr1:20,653,731, plus strand): 5'-CCACCCGATGATGGGACACAGGCCCCACACGGAGGACACCCTCCTCCTTGAACACCCAGC[G>A]GGAGAGGGCCACAGCTAGTTCATAGTTGCCTGTCTGGGAATACCTGCAGGAGGGAAACAG-3'
Protein context (NP_005207.3, residues 270-290): GNYELAVALS[Arg280Cys]WVFKEEGVLR

ClinVar aggregate classification (germline): Uncertain significance. Review status: criteria provided, multiple submitters, no conflicts (2 of 4 stars). 2 submissions from 2 submitters: Uncertain significance (2). Last evaluated 2024-01-30.

Conditions:
Congenital disorder of glycosylation type Ir (CDG1R). Also called: DDOST-congenital disorder of glycosylation. Identifiers: Orphanet 300536, MedGen C3281084, MONDO:0013789, OMIM 614507.

Allele frequency attached by ClinVar (database versions not stated): ExAC 0.00004.

Submissions (2):

Ambry Genetics
Classification: Uncertain significance. Last evaluated: 2024-01-30. Review status: criteria provided, single submitter. Criteria: Ambry Variant Classification Scheme 2023. Collection method: clinical testing. Allele origin: germline.

Labcorp Genetics (formerly Invitae), Labcorp
Classification: Uncertain significance for Congenital disorder of glycosylation type Ir. Last evaluated: 2023-08-30. Review status: criteria provided, single submitter. Criteria: Invitae Variant Classification Sherloc (09022015). Collection method: clinical testing. Allele origin: germline.
Comment: In summary, the available evidence is currently insufficient to determine the role of this variant in disease. Therefore, it has been classified as a Variant of Uncertain Significance. Advanced modeling of protein sequence and biophysical properties (such as structural, functional, and spatial information, amino acid conservation, physicochemical variation, residue mobility, and thermodynamic stability) performed at Invitae indicates that this missense variant is expected to disrupt DDOST protein function. ClinVar contains an entry for this variant (Variation ID: 2038749). This variant has not been reported in the literature in individuals affected with DDOST-related conditions. This variant is present in population databases (rs767525741, gnomAD 0.006%). This sequence change replaces arginine, which is basic and polar, with cysteine, which is neutral and slightly polar, at codon 297 of the DDOST protein (p.Arg297Cys).